The following is an entry in ClinVar:

NM_001165963.4(SCN1A):c.5470G>A (p.Glu1824Lys)

Genes: SCN1A (sodium voltage-gated channel alpha subunit 1; minus strand), LOC102724058 (uncharacterized LOC102724058; plus strand). Cytogenetic location: 2q24.3.
Variant type: single nucleotide variant.
Coding change: c.5470G>A on transcript NM_001165963.4 (MANE Select); coding-DNA position 5470, G replaced by A.
Protein change: p.Glu1824Lys; replaces glutamic acid 1824 with lysine.
Molecular consequence: missense variant. On other transcripts: non-coding transcript variant (1).
Genome position (GRCh38, 1-based): chr2:165,991,805, C>T on the plus strand (G>A on the coding strand, the complement: SCN1A is on the minus strand). VCF-style: chr2-165991805-C-T. GRCh37 (hg19) VCF-style: chr2-166848315-C-T.
Other names: c.5386G>A, p.Glu1796Lys (NM_001165964.3, NM_001353957.2, NM_001353958.2); c.5470G>A, p.Glu1824Lys (NM_001202435.3, NM_001353948.2); c.5437G>A, p.Glu1813Lys (NM_001353949.2, NM_001353950.2, NM_001353951.2 and 2 more transcripts); c.5434G>A, p.Glu1812Lys (NM_001353954.2, NM_001353955.2); c.5383G>A, p.Glu1795Lys (NM_001353960.2); c.3028G>A, p.Glu1010Lys (NM_001353961.2); short protein forms E1813K, E1796K, E1812K, E1824K, E1010K, E1795K.
Identifiers: ClinVar variation 3634000 (VCV003634000.3).

ClinVar aggregate classification (germline): Uncertain significance. Review status: criteria provided, multiple submitters, no conflicts (2 of 4 stars). 2 submissions from 2 submitters: Uncertain significance (2). Last evaluated 2024-08-13.

Conditions:
Early-infantile DEE. Also called: Early infantile epileptic encephalopathy; Ohtahara syndrome; Early infantile epileptic encephalopathy with suppression bursts. Identifiers: Orphanet 1934, MedGen C0393706, MONDO:0800491.
Developmental and epileptic encephalopathy 6B. Also called: Developmental and epileptic encephalopathy 6B, non-Dravet. Identifiers: MedGen C5543353, MONDO:0030268, OMIM 619317.

Submissions (2):

Labcorp Genetics (formerly Invitae), Labcorp
Classification: Uncertain significance for Early-infantile DEE. Last evaluated: 2024-08-13. Review status: criteria provided, single submitter. Criteria: Invitae Variant Classification Sherloc (09022015). Collection method: clinical testing. Allele origin: germline.
Comment: This sequence change replaces glutamic acid, which is acidic and polar, with lysine, which is basic and polar, at codon 1824 of the SCN1A protein (p.Glu1824Lys). This variant is not present in population databases (gnomAD no frequency). This variant has not been reported in the literature in individuals affected with SCN1A-related conditions. Advanced modeling of protein sequence and biophysical properties (such as structural, functional, and spatial information, amino acid conservation, physicochemical variation, residue mobility, and thermodynamic stability) performed at Invitae indicates that this missense variant is expected to disrupt SCN1A protein function with a positive predictive value of 95%. In summary, the available evidence is currently insufficient to determine the role of this variant in disease. Therefore, it has been classified as a Variant of Uncertain Significance.

3billion
Classification: Uncertain significance for Developmental and epileptic encephalopathy 6B. Last evaluated: 2023-10-16. Review status: criteria provided, single submitter. Criteria: ACMG Guidelines, 2015. Collection method: clinical testing. Allele origin: germline. Affected: yes.
Comment: The variant is not observed in the gnomAD v2.1.1 dataset. Predicted Consequence/Location: Missense variant In silico tool predictions suggest damaging effect of the variant on gene or gene product [REVEL: 0.73 (>=0.6, sensitivity 0.68 and specificity 0.92); 3Cnet: 0.90 (>=0.6, sensitivity 0.72 and precision 0.9)]. Therefore, this variant is classified as VUS according to the recommendation of ACMG/AMP guideline.